The following is an entry in ClinVar:

NM_002905.5(RDH5):c.98T>C (p.Ile33Thr)

Genes: BLOC1S1-RDH5 (BLOC1S1-RDH5 readthrough; plus strand), RDH5 (retinol dehydrogenase 5; plus strand). Cytogenetic location: 12q13.2.
Variant type: single nucleotide variant.
Coding change: c.98T>C on transcript NM_002905.5 (MANE Select); coding-DNA position 98, T replaced by C.
Protein change: p.Ile33Thr; replaces isoleucine 33 with threonine.
Molecular consequence: missense variant.
Genome position (GRCh38, 1-based): chr12:55,721,282, T>C. VCF-style: chr12-55721282-T-C. GRCh37 (hg19) VCF-style: chr12-56115066-T-C.
Other names: c.98T>C, p.Ile33Thr (NM_001199771.3); short protein forms I33T.
Identifiers: ClinVar variation 1439945 (VCV001439945.7), dbSNP rs146059919, ClinGen allele CA6616743.

ClinVar aggregate classification (germline): Uncertain significance (1 of 4 stars; one submission).

Allele frequency attached by ClinVar (database versions not stated): gnomAD 0.00001; gnomAD exomes 0.00001; TOPMed 0.00001; ExAC 0.00002; ESP Exome Variant Server 0.00008.
gnomAD v4.1: 12 of 1,613,996 alleles (0.00074%); highest among the groups gnomAD compares: Non-Finnish European, 0.00093%; no homozygotes.

Submission:

Labcorp Genetics (formerly Invitae), Labcorp
Classification: Uncertain significance. Last evaluated: 2021-03-19. Review status: criteria provided, single submitter. Criteria: Invitae Variant Classification Sherloc (09022015). Collection method: clinical testing. Allele origin: germline.
Comment: This sequence change replaces isoleucine with threonine at codon 33 of the RDH5 protein (p.Ile33Thr). The isoleucine residue is highly conserved and there is a moderate physicochemical difference between isoleucine and threonine. This variant is present in population databases (rs146059919, ExAC 0.003%). This variant has been observed in individual(s) with fundus albipunctatus (PMID: 21529959). Algorithms developed to predict the effect of missense changes on protein structure and function are either unavailable or do not agree on the potential impact of this missense change (SIFT: "Deleterious"; PolyPhen-2: "Probably Damaging"; Align-GVGD: "Class C0"). In summary, the available evidence is currently insufficient to determine the role of this variant in disease. Therefore, it has been classified as a Variant of Uncertain Significance.

Literature cited by the submitters: PubMed 21529959.